The following is an entry in ClinVar:

ClinVar aggregate classification (germline): Uncertain significance (1 of 4 stars; one submission).

Conditions:
Bardet-Biedl syndrome (BBS). Identifiers: Orphanet 110, MedGen C0752166, MONDO:0015229.

Allele frequency attached by ClinVar (database versions not stated): gnomAD exomes below 0.00001.

Submission:

Labcorp Genetics (formerly Invitae), Labcorp
Classification: Uncertain significance for Bardet-Biedl syndrome. Last evaluated: 2022-08-19. Review status: criteria provided, single submitter. Criteria: Invitae Variant Classification Sherloc (09022015). Collection method: clinical testing. Allele origin: germline.
Comment: This sequence change replaces leucine, which is neutral and non-polar, with phenylalanine, which is neutral and non-polar, at codon 172 of the BBS1 protein (p.Leu172Phe). This variant is not present in population databases (gnomAD no frequency). This variant has not been reported in the literature in individuals affected with BBS1-related conditions. ClinVar contains an entry for this variant (Variation ID: 1406181). Algorithms developed to predict the effect of missense changes on protein structure and function are either unavailable or do not agree on the potential impact of this missense change (SIFT: "Tolerated"; PolyPhen-2: "Probably Damaging"; Align-GVGD: "Class C0"). In summary, the available evidence is currently insufficient to determine the role of this variant in disease. Therefore, it has been classified as a Variant of Uncertain Significance.

NM_024649.5(BBS1):c.514C>T (p.Leu172Phe)

Gene: BBS1 (Bardet-Biedl syndrome 1; plus strand). Cytogenetic location: 11q13.2.
Variant type: single nucleotide variant.
Coding change: c.514C>T on transcript NM_024649.5 (MANE Select); coding-DNA position 514, C replaced by T.
Protein change: p.Leu172Phe; replaces leucine 172 with phenylalanine.
Molecular consequence: missense variant.
Genome position (GRCh38, 1-based): chr11:66,515,727, C>T. VCF-style: chr11-66515727-C-T. GRCh37 (hg19) VCF-style: chr11-66283198-C-T.
Other names: short protein forms L172F.
Identifiers: ClinVar variation 1406181 (VCV001406181.3), dbSNP rs1026985396, ClinGen allele CA224073807.